The following is an entry in ClinVar:

ClinVar aggregate classification (germline): Uncertain significance. Review status: criteria provided, multiple submitters, no conflicts (2 of 4 stars). 4 submissions from 4 submitters: Uncertain significance (4). Last evaluated 2024-03-12.

Conditions:
Sucrase-isomaltase deficiency (CSID). Also called: Deficiency of isomaltase; Congenital sucrose isomaltose malabsorption; Sucrose isomaltose enzyme deficiency; SI DEFICIENCY. Identifiers: Orphanet 35122, MedGen C1283620, MONDO:0009114, OMIM 222900.

Allele frequency attached by ClinVar (database versions not stated): gnomAD exomes 0.00004; ExAC 0.00005; gnomAD 0.00007 and 0.00015; TOPMed 0.00023.
gnomAD v4.1: 117 of 1,611,298 alleles (0.0073%); highest among the groups gnomAD compares: Admixed American, 0.012%; no homozygotes.

Submissions (4):

Fulgent Genetics
Classification: Uncertain significance for Sucrase-isomaltase deficiency. Last evaluated: 2024-03-12. Review status: criteria provided, single submitter. Criteria: ACMG Guidelines, 2015. Collection method: clinical testing. Allele origin: germline.

Labcorp Genetics (formerly Invitae), Labcorp
Classification: Uncertain significance. Last evaluated: 2022-08-15. Review status: criteria provided, single submitter. Criteria: Invitae Variant Classification Sherloc (09022015). Collection method: clinical testing. Allele origin: germline.
Comment: This sequence change replaces glycine, which is neutral and non-polar, with alanine, which is neutral and non-polar, at codon 1476 of the SI protein (p.Gly1476Ala). This variant is present in population databases (rs758043919, gnomAD 0.008%). This variant has not been reported in the literature in individuals affected with SI-related conditions. ClinVar contains an entry for this variant (Variation ID: 802019). Advanced modeling of protein sequence and biophysical properties (such as structural, functional, and spatial information, amino acid conservation, physicochemical variation, residue mobility, and thermodynamic stability) performed at Invitae indicates that this missense variant is expected to disrupt SI protein function. In summary, the available evidence is currently insufficient to determine the role of this variant in disease. Therefore, it has been classified as a Variant of Uncertain Significance.

Mendelics
Classification: Uncertain significance for Sucrase-isomaltase deficiency. Last evaluated: 2019-05-28. Review status: criteria provided, single submitter. Criteria: Mendelics Assertion Criteria 2017. Collection method: clinical testing. Allele origin: unknown.

Illumina Laboratory Services, Illumina
Classification: Uncertain significance for Sucrase-isomaltase deficiency. Last evaluated: 2017-04-27. Review status: criteria provided, single submitter. Criteria: ICSL Variant Classification Criteria 13 December 2019. Collection method: clinical testing. Allele origin: germline.

NM_001041.4(SI):c.4427G>C (p.Gly1476Ala)

Gene: SI (sucrase-isomaltase; minus strand). Cytogenetic location: 3q26.1.
Variant type: single nucleotide variant.
Coding change: c.4427G>C on transcript NM_001041.4 (MANE Select); coding-DNA position 4427, G replaced by C.
Protein change: p.Gly1476Ala; replaces glycine 1476 with alanine.
Molecular consequence: missense variant.
Genome position (GRCh38, 1-based): chr3:164,998,653, C>G on the plus strand (G>C on the coding strand, the complement: SI is on the minus strand). VCF-style: chr3-164998653-C-G. GRCh37 (hg19) VCF-style: chr3-164716441-C-G.
Other names: short protein forms G1476A.
Identifiers: ClinVar variation 802019 (VCV000802019.10), dbSNP rs758043919, ClinGen allele CA2689919.